The following is an entry in ClinVar:

ClinVar aggregate classification (germline): Uncertain significance (1 of 4 stars; one submission).

Submission:

GeneDx
Classification: Uncertain significance. Last evaluated: 2022-09-09. Review status: criteria provided, single submitter. Criteria: GeneDx Variant Classification Process June 2021. Collection method: clinical testing. Allele origin: germline. Affected: yes.
Comment: Not observed at significant frequency in large population cohorts (gnomAD); In silico analysis supports that this missense variant has a deleterious effect on protein structure/function; Has not been previously published as pathogenic or benign to our knowledge; Variants in candidate genes are classified as variants of uncertain significance in accordance with ACMG guidelines (Richards et al., 2015)

NM_001967.4(EIF4A2):c.691G>T (p.Asp231Tyr)

Gene: EIF4A2 (eukaryotic translation initiation factor 4A2; plus strand). Cytogenetic location: 3q27.3.
Variant type: single nucleotide variant.
Coding change: c.691G>T on transcript NM_001967.4 (MANE Select); coding-DNA position 691, G replaced by T.
Protein change: p.Asp231Tyr; replaces aspartic acid 231 with tyrosine.
Molecular consequence: missense variant.
Genome position (GRCh38, 1-based): chr3:186,786,565, G>T. VCF-style: chr3-186786565-G-T. GRCh37 (hg19) VCF-style: chr3-186504354-G-T.
Other names: short protein forms D231Y.
Identifiers: ClinVar variation 2443418 (VCV002443418.1), dbSNP rs2108458585, ClinGen allele CA355723669.